The following is an entry in ClinVar:

ClinVar aggregate classification (germline): Uncertain significance. Review status: criteria provided, multiple submitters, no conflicts (2 of 4 stars). 2 submissions from 2 submitters: Uncertain significance (2). Last evaluated 2024-10-23.

Conditions:
Cardiovascular phenotype. Identifiers: MedGen CN230736.

Allele frequency attached by ClinVar (database versions not stated): ExAC 0.00001; gnomAD 0.00003; gnomAD exomes 0.00003; TOPMed 0.00004.
gnomAD v4.1: 24 of 1,613,762 alleles (0.0015%); highest among the groups gnomAD compares: African/African-American, 0.008%; no homozygotes.

Submissions (2):

Ambry Genetics
Classification: Uncertain significance for Cardiovascular phenotype. Last evaluated: 2024-10-23. Review status: criteria provided, single submitter. Criteria: Ambry Variant Classification Scheme 2023. Collection method: clinical testing. Allele origin: germline.

Labcorp Genetics (formerly Invitae), Labcorp
Classification: Uncertain significance. Last evaluated: 2022-01-13. Review status: criteria provided, single submitter. Criteria: Invitae Variant Classification Sherloc (09022015). Collection method: clinical testing. Allele origin: germline.
Comment: This sequence change replaces alanine, which is neutral and non-polar, with valine, which is neutral and non-polar, at codon 155 of the PRDM5 protein (p.Ala155Val). This variant is present in population databases (rs755078221, gnomAD 0.02%). This variant has not been reported in the literature in individuals affected with PRDM5-related conditions. Algorithms developed to predict the effect of missense changes on protein structure and function (SIFT, PolyPhen-2, Align-GVGD) all suggest that this variant is likely to be tolerated. In summary, the available evidence is currently insufficient to determine the role of this variant in disease. Therefore, it has been classified as a Variant of Uncertain Significance.

NM_018699.4(PRDM5):c.464C>T (p.Ala155Val)

Gene: PRDM5 (PR/SET domain 5; minus strand). Cytogenetic location: 4q27.
Variant type: single nucleotide variant.
Coding change: c.464C>T on transcript NM_018699.4 (MANE Select); coding-DNA position 464, C replaced by T.
Protein change: p.Ala155Val; replaces alanine 155 with valine.
Molecular consequence: missense variant.
Genome position (GRCh38, 1-based): chr4:120,821,182, G>A on the plus strand (C>T on the coding strand, the complement: PRDM5 is on the minus strand). VCF-style: chr4-120821182-G-A. GRCh37 (hg19) VCF-style: chr4-121742337-G-A.
Other names: c.464C>T, p.Ala155Val (NM_001300823.2, NM_001300824.2, NM_001379104.1 and 1 more transcripts); c.464C>T (NM_018699.2); short protein forms A155V.
Identifiers: ClinVar variation 1363086 (VCV001363086.6), dbSNP rs755078221, ClinGen allele CA3061392.
Genomic context (GRCh38, chr4:120,821,182, plus strand): 5'-TTTTTCTACAACTTTTCTTCTCCCAGATCACCAATTAAAGATGCAATACCTTTTCTGCCC[G>A]CTGTTGATTGTCTTCTAGAATTTTCAACTTCCCCTTCTTTGATGACTGTCATAATTTGCT-3'
Protein context (NP_061169.2, residues 145-165): EVENSRRQST[Ala155Val]GRKDRLGCKE